The following is an entry in ClinVar:

NM_173660.5(DOK7):c.54+25_55-38del

Gene: DOK7 (docking protein 7; plus strand). Cytogenetic location: 4p16.3.
Variant type: Deletion.
Coding change: c.54+25_55-38del on transcript NM_173660.5 (MANE Select); 25 bases into the intron after coding-DNA position 54 through 38 bases into the intron before coding-DNA position 55, 15 bases deleted (GGGGGGGGGCGCGGG).
Molecular consequence: intron variant.
Genome position (GRCh38, 1-based): chr4:3,463,454-3,463,468, GGGGGGGGGCGCGGG deleted; deleting any 15 consecutive bases within chr4:3,463,443-3,463,468 gives the same sequence; the c. name uses the placement nearest the transcript's 3' end. VCF-style (leftmost placement, unchanged base first): chr4-3463442-CGGGGGCGCGGGGGGG-C. GRCh37 (hg19) VCF-style: chr4-3465169-CGGGGGCGCGGGGGGG-C.
Other names: p.?; c.54+25_55-38del (NM_001301071.2, NM_001363811.2, NM_001164673.2).
Identifiers: ClinVar variation 835508 (VCV000835508.62), dbSNP rs769850502, ClinGen allele CA2828824.
Genomic context (GRCh38, chr4:3,463,442, plus strand): 5'-GAGGCGGCGCTGGTGGAGGGCCAGGTCAAGCTGCGGGACGGCAAGAAGGTCGGGGCGCGT[CGGGGGCGCGGGGGGG>C]GGGGGCGCGGGCGCGGGCGGCGGCTCACGCTCCCCCCTGTCCCCGCAGTGGAAGAGTAGG-3'

ClinVar aggregate classification (germline): Pathogenic/Likely pathogenic. Review status: criteria provided, multiple submitters, no conflicts (2 of 4 stars). 10 submissions from 10 submitters: Pathogenic (9); Likely pathogenic (1). Last evaluated 2025-10-21.

Conditions:
Congenital myasthenic syndrome 10. Also called: Myasthenia, limb-girdle, familial. Identifiers: Orphanet 590, MedGen C1850792, MONDO:0009690, OMIM 254300.
Fetal akinesia deformation sequence 3. Identifiers: MedGen C4760599, MONDO:0100103, OMIM 618389.
DOK7-related disorders.
Ritscher-Schinzel syndrome 2. Identifiers: Orphanet 7, MedGen C4225419, MONDO:0010499, OMIM 300963.
Fetal akinesia deformation sequence 1 (FADS1). Also called: Fetal akinesia sequence; Pena-Shokeir syndrome type I. Identifiers: Orphanet 994, MedGen C1276035, MONDO:0100101, OMIM 208150, HP:0001989.

Submissions (10):

Labcorp Genetics (formerly Invitae), Labcorp
Classification: Pathogenic for Congenital myasthenic syndrome 10; Fetal akinesia deformation sequence 1. Last evaluated: 2025-10-21. Review status: criteria provided, single submitter. Criteria: Invitae Variant Classification Sherloc (09022015). Collection method: clinical testing. Allele origin: germline.
Comment: This sequence change falls in intron 1 of the DOK7 gene. It does not directly change the encoded amino acid sequence of the DOK7 protein. The frequency data for this variant in the population databases is considered unreliable, as metrics indicate poor data quality at this position in the gnomAD database. This variant has been observed in individual(s) with congenital myasthenic syndrome (PMID: 18626973, 20012313, 20458068, 23219351). In at least one individual the data is consistent with being in trans (on the opposite chromosome) from a pathogenic variant. This variant is also known as c.54+25_39del15 or IVS1+14del15. ClinVar contains an entry for this variant (Variation ID: 835508). For these reasons, this variant has been classified as Pathogenic.

Genomic Medicine Center of Excellence, King Faisal Specialist Hospital and Research Centre
Classification: Pathogenic for Ritscher-Schinzel syndrome 2. Last evaluated: 2025-09-10. Review status: criteria provided, single submitter. Criteria: ACMG Guidelines, 2015. Collection method: clinical testing. Allele origin: germline.

Fulgent Genetics
Classification: Pathogenic for Congenital myasthenic syndrome 10; Fetal akinesia deformation sequence 3. Last evaluated: 2024-04-17. Review status: criteria provided, single submitter. Criteria: ACMG Guidelines, 2015. Collection method: clinical testing. Allele origin: germline.

Mayo Clinic Laboratories, Mayo Clinic
Classification: Pathogenic. Last evaluated: 2024-04-01. Review status: criteria provided, single submitter. Criteria: ACMG Guidelines, 2015. Collection method: clinical testing. Allele origin: germline.
Comment: PP3, PM3_very_strong, PS3, PS4

Baylor Genetics
Classification: Likely pathogenic for Fetal akinesia deformation sequence 3. Last evaluated: 2024-02-27. Review status: criteria provided, single submitter. Criteria: ACMG Guidelines, 2015. Collection method: clinical testing. Allele origin: unknown.

Kariminejad - Najmabadi Pathology & Genetics Center
Classification: Pathogenic for Congenital myasthenic syndrome 10. Last evaluated: 2022-06-23. Review status: criteria provided, single submitter. Criteria: ACMG Guidelines, 2015. Collection method: clinical testing. Allele origin: germline. Inheritance: Autosomal recessive inheritance. Affected: yes.
Comment: PS3, PP5, PS1

GeneDx
Classification: Pathogenic. Last evaluated: 2022-01-11. Review status: criteria provided, single submitter. Criteria: GeneDx Variant Classification Process June 2021. Collection method: clinical testing. Allele origin: germline. Affected: yes.
Comment: Published cDNA analysis confirmed a damaging effect, as this intronic variant resulted in the partial retention of exon 1 and a frameshift, leading to a premature stop codon (Selcen et al., 2008); This variant is associated with the following publications: (PMID: 20012313, 23219351, 18626973, 20458068, 32403337, 27535533)

Blueprint Genetics
Classification: Pathogenic for DOK7-related disorders. Last evaluated: 2021-09-20. Review status: criteria provided, single submitter. Criteria: ACMG Guidelines, 2015. Collection method: clinical testing. Allele origin: germline. Affected: yes. Observed: 5 variant alleles.

CeGaT Center for Human Genetics Tuebingen
Classification: Pathogenic. Last evaluated: 2020-06-01. Review status: criteria provided, single submitter. Criteria: CeGaT Center For Human Genetics Tuebingen Variant Classification Criteria Version 2. Collection method: clinical testing. Allele origin: germline. Affected: yes. Observed: 3 variant alleles.

Juno Genomics, Hangzhou Juno Genomics, Inc
Classification: Pathogenic for Fetal akinesia deformation sequence 3; Congenital myasthenic syndrome 10. Review status: criteria provided, single submitter. Criteria: ACMG Guidelines, 2015. Collection method: clinical testing. Allele origin: germline.
Comment: Absent from controls (or at extremely low frequency if recessive) in Genome Aggregation Database.;Null variant in a gene where loss of function (LOF) is a known mechanism of disease.;For recessive disorders, detected in trans with a pathogenic variant.

Literature cited by the submitters: PubMed 18626973 (cited by Labcorp Genetics (formerly Invitae), Labcorp and Mayo Clinic Laboratories, Mayo Clinic); PubMed 20012313 (cited by Labcorp Genetics (formerly Invitae), Labcorp and Mayo Clinic Laboratories, Mayo Clinic); PubMed 20458068 (cited by Labcorp Genetics (formerly Invitae), Labcorp and Mayo Clinic Laboratories, Mayo Clinic); PubMed 23219351 (cited by Labcorp Genetics (formerly Invitae), Labcorp and Mayo Clinic Laboratories, Mayo Clinic); PubMed 32403337 (cited by Mayo Clinic Laboratories, Mayo Clinic); PubMed 38278647 (cited by Mayo Clinic Laboratories, Mayo Clinic).